The following is an entry in ClinVar:

NM_000097.7(CPOX):c.1336C>A (p.Leu446Ile)

Gene: CPOX (coproporphyrinogen oxidase; minus strand). Cytogenetic location: 3q11.2.
Variant type: single nucleotide variant.
Coding change: c.1336C>A on transcript NM_000097.7 (MANE Select); coding-DNA position 1336, C replaced by A.
Protein change: p.Leu446Ile; replaces leucine 446 with isoleucine.
Molecular consequence: missense variant.
Genome position (GRCh38, 1-based): chr3:98,580,712, G>T on the plus strand (C>A on the coding strand, the complement: CPOX is on the minus strand). VCF-style: chr3-98580712-G-T. GRCh37 (hg19) VCF-style: chr3-98299556-G-T.
Other names: short protein forms L446I.
Identifiers: ClinVar variation 3031862 (VCV003031862.2), dbSNP rs952952191, ClinGen allele CA353644404.

ClinVar aggregate classification (germline): Uncertain significance (0 of 4 stars; one submission).

Conditions:
CPOX-related disorder. Also called: CPOX-related disorders; CPOX-related condition.

gnomAD v4.1: 1 of 1,614,176 alleles (0.000062%); highest among the groups gnomAD compares: African/African-American, 0.0013%; no homozygotes.

Submission:

PreventionGenetics, part of Exact Sciences
Classification: Uncertain significance for CPOX-related condition. Last evaluated: 2024-02-19. Review status: no assertion criteria provided. Collection method: clinical testing. Allele origin: germline.
Comment: The CPOX c.1336C>A variant is predicted to result in the amino acid substitution p.Leu446Ile. To our knowledge, this variant has not been reported in the literature or in a large population database, indicating this variant is rare. At this time, the clinical significance of this variant is uncertain due to the absence of conclusive functional and genetic evidence.